The following is an entry in ClinVar:

NM_000392.5(ABCC2):c.2414del (p.Gly805fs)

Gene: ABCC2 (ATP binding cassette subfamily C member 2; plus strand). Cytogenetic location: 10q24.2.
Variant type: Deletion.
Coding change: c.2414del on transcript NM_000392.5 (MANE Select); coding-DNA position 2414, one base deleted (G; older notation c.2414delG).
Protein change: p.Gly805fs; shifts the reading frame from glycine 805.
Molecular consequence: frameshift variant.
Genome position (GRCh38, 1-based): chr10:99,818,932, G deleted; the last of 3 consecutive G bases (chr10:99,818,930-99,818,932); deleting any one gives the same sequence. VCF-style (leftmost placement, unchanged base first): chr10-99818929-TG-T. GRCh37 (hg19) VCF-style: chr10-101578686-TG-T.
Other names: short protein forms G805fs.
Identifiers: ClinVar variation 3030849 (VCV003030849.2), dbSNP rs759959471, ClinGen allele CA5643470.

ClinVar aggregate classification (germline): Pathogenic (0 of 4 stars; one submission).

Conditions:
ABCC2-related disorder. Also called: ABCC2-related condition.

Submission:

PreventionGenetics, part of Exact Sciences
Classification: Pathogenic for ABCC2-related condition. Last evaluated: 2023-12-14. Review status: no assertion criteria provided. Collection method: clinical testing. Allele origin: germline.
Comment: The ABCC2 c.2414delG variant is predicted to result in a frameshift and premature protein termination (p.Gly805Alafs*6). This variant was reported in individuals from a large family with Dubin-Johnson syndrome (Zhou et al. 2023. PubMed ID: 36274106). This variant is reported in 0.0033% of alleles in individuals of South Asian descent in gnomAD. Frameshift variants in ABCC2 are expected to be pathogenic. This variant is interpreted as pathogenic.